The following is an entry in ClinVar:

NM_001367624.2(ZNF469):c.4257C>T (p.Gly1419=)

Gene: ZNF469 (zinc finger protein 469; plus strand). Cytogenetic location: 16q24.2.
Variant type: single nucleotide variant.
Coding change: c.4257C>T on transcript NM_001367624.2 (MANE Select); coding-DNA position 4257, C replaced by T.
Protein change: p.Gly1419=; no amino-acid change (glycine 1419 retained).
Molecular consequence: synonymous variant.
Genome position (GRCh38, 1-based): chr16:88,431,727, C>T. VCF-style: chr16-88431727-C-T. GRCh37 (hg19) VCF-style: chr16-88498135-C-T.
Identifiers: ClinVar variation 2898064 (VCV002898064.4), dbSNP rs762292362, ClinGen allele CA8224928.

ClinVar aggregate classification (germline): Conflicting classifications of pathogenicity. Review status: criteria provided, conflicting classifications (1 of 4 stars). 2 submissions from 2 submitters: Uncertain significance (1); Likely benign (1). Last evaluated 2026-06-15.

Allele frequency attached by ClinVar (database versions not stated): gnomAD 0.00001; TOPMed 0.00002; ExAC 0.00011.
gnomAD v4.1: 15 of 1,550,078 alleles (0.00097%); highest among the groups gnomAD compares: African/African-American, 0.0027%; no homozygotes.

Submissions (2):

Women's Health and Genetics/Laboratory Corporation of America, LabCorp
Classification: Uncertain significance. Last evaluated: 2026-06-15. Review status: criteria provided, single submitter. Criteria: LabCorp Variant Classification Summary - May 2015. Collection method: clinical testing. Allele origin: germline.
Comment: Variant summary: ZNF469 c.4257C>T alters a non-conserved nucleotide resulting in a synonymous change. Several computational tools predict a significant impact on normal splicing: Four predict the variant creates a cryptic 5' donor site. However, these predictions have yet to be confirmed by functional studies. The variant allele was found at a frequency of 2e-05 in 152234 control chromosomes. The available data on variant occurrences in the general population are insufficient to allow any conclusion about variant significance. To our knowledge, no occurrence of c.4257C>T in individuals affected with ZNF469-related conditions and no experimental evidence demonstrating its impact on protein function have been reported. ClinVar contains an entry for this variant (Variation ID: 2898064). Based on the evidence outlined above, the variant was classified as uncertain significance.

Labcorp Genetics (formerly Invitae), Labcorp
Classification: Likely benign. Last evaluated: 2025-12-13. Review status: criteria provided, single submitter. Criteria: Invitae Variant Classification Sherloc (09022015). Collection method: clinical testing. Allele origin: germline.